The following continues an entry in ClinVar:

NM_001005242.3(PKP2):c.1780C>T (p.Gln594Ter)

Gene: PKP2. ClinVar aggregate classification (germline): Pathogenic. Pathogenic (15).

Submissions 13 to 15 of 15:

Human Genome Sequencing Center Clinical Lab, Baylor College of Medicine
Classification: Pathogenic for Arrhythmogenic right ventricular dysplasia 9. Last evaluated: 2020-04-14. Review status: criteria provided, single submitter. Criteria: ACMG Guidelines, 2015. Collection method: clinical testing. Allele origin: unknown.
Comment: The c.1912C>T (p.Gln638*) variant in PKP2 gene, that encodes for plakophilin 2, creates a premature termination codon that is predicted to lead to an absent or truncated protein product. This variant has been reported in multiple individuals (>15) affected with arrhythmogenic right ventricular dysplasia/cardiomyopathy (ARVC/D) (PMID:23810883, 15489853, 24967631). Loss of function variants are known to be pathogenic for PKP2 (PMID: 23911551, 15489853, 24704780, 29038103, 34120153). Loss of function variants downstream of this variant are reported to be pathogenic in multiple individuals with ARVC (PMID:15489853, 28431057, 30790397) and classified as pathogenic by several ClinVar submitters (ClinVar ID: 201998). This variant was found to be rare (2/282710; 0.0007%) in the general population database gnomAD and classified as pathogenic by multiple ClinVar submitters (ClinVar ID: 45049). Therefore, the c.1912C>T (p.Gln638*) variant in PKP2 gene is classified as pathogenic.

Women's Health and Genetics/Laboratory Corporation of America, LabCorp
Classification: Pathogenic for Arrhythmogenic right ventricular dysplasia/cardiomyopathy. Last evaluated: 2020-03-30. Review status: criteria provided, single submitter. Criteria: LabCorp Variant Classification Summary - May 2015. Collection method: clinical testing. Allele origin: germline.
Comment: Variant summary: PKP2 c.1912C>T (p.Gln638X) results in a premature termination codon, predicted to cause a truncation of the encoded protein or absence of the protein due to nonsense mediated decay, which are commonly known mechanisms for disease. Truncations downstream of this position have been classified as pathogenic by our laboratory. The variant allele was found at a frequency of 4e-06 in 252142 control chromosomes. c.1912C>T has been reported in the literature in multiple individuals affected with Arrhythmogenic Right Ventricular Dysplasia/Cardiomyopathy (Gerull_2004, Wlodarska_2008, Perrin_2013, Alcalde_2014, Adler_2016). These data indicate that the variant is very likely to be associated with disease. Three clinical diagnostic laboratories have submitted clinical-significance assessments for this variant to ClinVar after 2014. All laboratories classified the variant as pathogenic. Based on the evidence outlined above, the variant was classified as pathogenic.

Laboratory for Molecular Medicine, Mass General Brigham Personalized Medicine
Classification: Pathogenic for Arrhythmogenic right ventricular cardiomyopathy. Last evaluated: 2010-06-22. Review status: criteria provided, single submitter. Criteria: LMM Criteria. Collection method: clinical testing. Allele origin: germline. Observed: 5 variant alleles.
Comment: The Gln638X variant has been reported in one individual who presented with synco pe, right ventricular involvement, and ventricular tachycardia (Gerull et al, 20 05). In addition, the Gln638X variant leads to a premature stop at codon 638. T his alteration is predicted to lead to a truncated or absent protein. Loss of fu nction variants are an established mechanism of disease for the PKP2 gene, which makes it highly likely that the Gln638X variant is pathogenic.

Literature cited by the submitters: PubMed 23183494 (cited by Victorian Clinical Genetics Services, Murdoch Childrens Research Institute); PubMed 17010805 (cited by Victorian Clinical Genetics Services, Murdoch Childrens Research Institute); PubMed 35059364 (cited by Victorian Clinical Genetics Services, Murdoch Childrens Research Institute); PubMed 38050058 (cited by Victorian Clinical Genetics Services, Murdoch Childrens Research Institute); PubMed 30562116 (cited by Victorian Clinical Genetics Services, Murdoch Childrens Research Institute); PubMed 15489853 (cited by 6 submitters); PubMed 17041889 (cited by Labcorp Genetics (formerly Invitae), Labcorp); PubMed 23911551 (cited by Labcorp Genetics (formerly Invitae), Labcorp and All of Us Research Program, National Institutes of Health); PubMed 23810883 (cited by 5 submitters); PubMed 24967631 (cited by 5 submitters); PubMed 26743238 (cited by 4 submitters); PubMed 24704780 (cited by All of Us Research Program, National Institutes of Health); PubMed 28431057 (cited by All of Us Research Program, National Institutes of Health); PubMed 29038103 (cited by All of Us Research Program, National Institutes of Health); PubMed 30790397 (cited by All of Us Research Program, National Institutes of Health); PubMed 34120153 (cited by All of Us Research Program, National Institutes of Health); PubMed 16101641 (cited by Mayo Clinic Laboratories, Mayo Clinic and Women's Health and Genetics/Laboratory Corporation of America, LabCorp); PubMed 18382419 (cited by Mayo Clinic Laboratories, Mayo Clinic and Women's Health and Genetics/Laboratory Corporation of America, LabCorp); PubMed 31386562 (cited by Mayo Clinic Laboratories, Mayo Clinic); PubMed 33684294 (cited by Mayo Clinic Laboratories, Mayo Clinic); PubMed 34191271 (cited by Mayo Clinic Laboratories, Mayo Clinic); PubMed 35653365 (cited by Mayo Clinic Laboratories, Mayo Clinic); PubMed 25525159 (cited by Women's Health and Genetics/Laboratory Corporation of America, LabCorp).